The following continues an entry in ClinVar:

NM_000059.4(BRCA2):c.6347A>G (p.His2116Arg)

Gene: BRCA2. ClinVar aggregate classification (germline): Benign. Benign (1).

Submissions 24 to 39 of 39:

Color Diagnostics, LLC DBA Color Health
Classification: Benign for Hereditary cancer-predisposing syndrome. Last evaluated: 2015-03-11. Review status: criteria provided, single submitter. Criteria: ACMG Guidelines, 2015. Collection method: clinical testing. Allele origin: germline. Not counted in ClinVar's aggregate classification.

Ambry Genetics
Classification: Benign for Hereditary cancer-predisposing syndrome. Last evaluated: 2014-11-19. Review status: criteria provided, single submitter. Criteria: Ambry Variant Classification Scheme 2023. Collection method: clinical testing. Allele origin: germline. Not counted in ClinVar's aggregate classification.

Molecular Genetics Laboratory, University of Michigan
Classification: Benign for Breast-ovarian cancer, familial, susceptibility to, 2. Last evaluated: 2014-11-03. Review status: criteria provided, single submitter. Criteria: ACMG Guidelines, 2015. Collection method: clinical testing. Allele origin: germline. Affected: yes. Not counted in ClinVar's aggregate classification.

Women's Health and Genetics/Laboratory Corporation of America, LabCorp
Classification: Benign for Hereditary breast ovarian cancer syndrome. Last evaluated: 2014-03-12. Review status: criteria provided, single submitter. Criteria: LabCorp Variant Classification Summary - May 2015. Collection method: clinical testing. Allele origin: germline. Not counted in ClinVar's aggregate classification.

Breakthrough Genomics
Classification: Benign. Review status: criteria provided, single submitter. Criteria: ACMG Guidelines, 2015. Collection method: not provided. Allele origin: germline. Inheritance: Autosomal recessive inheritance. Affected: yes. Not counted in ClinVar's aggregate classification.

Institute for Biomarker Research, Medical Diagnostic Laboratories, L.L.C.
Classification: Benign for Hereditary breast ovarian cancer syndrome. Last evaluated: 2021-09-27. Review status: no assertion criteria provided. Collection method: clinical testing. Allele origin: germline. Not counted in ClinVar's aggregate classification.

True Health Diagnostics
Classification: Likely benign for Hereditary cancer-predisposing syndrome. Last evaluated: 2018-01-24. Review status: no assertion criteria provided. Collection method: clinical testing. Allele origin: germline. Not counted in ClinVar's aggregate classification.

CSER _CC_NCGL, University of Washington
Classification: Likely benign for Breast and/or ovarian cancer. Last evaluated: 2014-06-01. Review status: no assertion criteria provided. Collection method: research. Allele origin: germline. Inheritance: Autosomal dominant inheritance. Study: ESP 6500 variant annotation. Not counted in ClinVar's aggregate classification.
Comment: Variants classified for the Actionable exomic incidental findings in 6503 participants: challenges of variant classification manuscript

Counsyl
Classification: Likely benign for Breast-ovarian cancer, familial 2. Last evaluated: 2014-02-18. Review status: no assertion criteria provided. Collection method: literature only. Allele origin: unknown. Inheritance: Autosomal dominant inheritance. Not counted in ClinVar's aggregate classification.

ITMI
No classification provided. Condition: AllHighlyPenetrant. Last evaluated: 2013-09-19. Review status: no classification provided. Collection method: reference population. Allele origin: germline. Not counted in ClinVar's aggregate classification.
Comment: Please see associated publication for description of ethnicities

Biesecker Lab/Clinical Genomics Section, National Institutes of Health
Classification: Likely benign. Last evaluated: 2012-07-13. Review status: no assertion criteria provided. Collection method: research. Allele origin: germline. Affected: no. Observed: 1 variant allele. Study: ClinSeq. Not counted in ClinVar's aggregate classification.
ClinVar note: Converted during submission from probably not pathogenic to Likely benign.

Breast Cancer Information Core (BIC) (BRCA2)
Classification: Benign for Breast-ovarian cancer, familial 2. Last evaluated: 2002-05-29. Review status: no assertion criteria provided. Collection method: clinical testing. Allele origin: germline. Affected: yes. Observed: 88 variant alleles. Not counted in ClinVar's aggregate classification.

Clinical Genetics Laboratory, Department of Pathology, Netherlands Cancer Institute
Classification: Benign. Review status: no assertion criteria provided. Collection method: clinical testing. Allele origin: germline. Affected: yes. Study: VKGL Data-share Consensus. Not counted in ClinVar's aggregate classification.

Department of Pathology and Laboratory Medicine, Sinai Health System
Classification: Benign. Review status: no assertion criteria provided. Collection method: clinical testing. Allele origin: unknown. Affected: yes. Observed: 5 variant alleles. Study: The Canadian Open Genetics Repository (COGR). Not counted in ClinVar's aggregate classification.
Comment: The p.His2116Arg variant has been reported in the literature in 13/19710 proband chromosomes of individuals with breast cancer and prostate cancer; it was not detected in the 122 control chromosomes tested (Berg_2012_22995991, Borg_2010_20104584, Carvalho_2007_17308087, Caux-Moncoutier_2011_21120943, Haffty_2006_15983021, Johnston_2012_22703879, Kote-Jarai_2011_21952622, Lee_2008_18284688, Tazzite_2012_22425665), however, an insufficient number of controls were included in these studies to determine the frequency of this variant in the general population. It has also been reported in the HGMD, BIC(x88 as not clinically important), Exome Variant Server and BOCs databases. It is listed in dbSNP database as coming from a "clinical source" (ID#: rs55953736) with a global minor allele frequency (MAF) of 0.002 (1000 Genomes) and was also identified by the EVS project as a low frequency variant. This residue is not conserved in mammals and computational analyses (PolyPhen, SIFT, AlignGVGD) provide inconsistent predictions regarding the impact to the protein and this information is not very predictive of pathogenicity. It was identified 18x in the UMD database, 6x as co-occuring with a second pathogenic variant, increasing the likelihood this variant does not have clinical significance. Furthermore, Myriad genetics classifies this variant as a polymorphism (personal communication). In summary, this variant meets our criteria to be classified as benign.

Joint Genome Diagnostic Labs from Nijmegen and Maastricht, Radboudumc and MUMC+
Classification: Benign. Review status: no assertion criteria provided. Collection method: clinical testing. Allele origin: germline. Affected: yes. Study: VKGL Data-share Consensus. Not counted in ClinVar's aggregate classification.

Laboratory of Diagnostic Genome Analysis, Leiden University Medical Center (LUMC)
Classification: Likely benign. Review status: no assertion criteria provided. Collection method: clinical testing. Allele origin: germline. Affected: yes. Study: VKGL Data-share Consensus. Not counted in ClinVar's aggregate classification.

Literature cited by the submitters: PubMed 22995991 (cited by Women's Health and Genetics/Laboratory Corporation of America, LabCorp); PubMed 20104584 (cited by Women's Health and Genetics/Laboratory Corporation of America, LabCorp); PubMed 17308087 (cited by Women's Health and Genetics/Laboratory Corporation of America, LabCorp); PubMed 21520273 (cited by Women's Health and Genetics/Laboratory Corporation of America, LabCorp and Counsyl); PubMed 18284688 (cited by Women's Health and Genetics/Laboratory Corporation of America, LabCorp); PubMed 22425665 (cited by Women's Health and Genetics/Laboratory Corporation of America, LabCorp and Counsyl); PubMed 15983021 (cited by Women's Health and Genetics/Laboratory Corporation of America, LabCorp); PubMed 17262179 (cited by Women's Health and Genetics/Laboratory Corporation of America, LabCorp); PubMed 22034289 (cited by Women's Health and Genetics/Laboratory Corporation of America, LabCorp); PubMed 22811390 (cited by Women's Health and Genetics/Laboratory Corporation of America, LabCorp); PubMed 23415752 (cited by Women's Health and Genetics/Laboratory Corporation of America, LabCorp); PubMed 21952622 (cited by Counsyl); PubMed 21702907 (cited by Counsyl); PubMed 24728327 (cited by ITMI).